The following is an entry in ClinVar:

NM_080424.4(SP110):c.2072T>C (p.Phe691Ser)

Gene: SP110 (SP110 nuclear body protein; minus strand). Cytogenetic location: 2q37.1.
Variant type: single nucleotide variant.
Coding change: c.2072T>C on transcript NM_080424.4 (MANE Select); coding-DNA position 2072, T replaced by C.
Protein change: p.Phe691Ser; replaces phenylalanine 691 with serine.
Molecular consequence: missense variant.
Genome position (GRCh38, 1-based): chr2:230,169,194, A>G on the plus strand (T>C on the coding strand, the complement: SP110 is on the minus strand). VCF-style: chr2-230169194-A-G. GRCh37 (hg19) VCF-style: chr2-231033910-A-G.
Other names: c.2168T>C, p.Phe723Ser (NM_001378442.1); c.2150T>C, p.Phe717Ser (NM_001378443.1); c.2090T>C, p.Phe697Ser (NM_001378444.1); c.2018T>C, p.Phe673Ser (NM_001378445.1); c.1877T>C, p.Phe626Ser (NM_001378446.1); c.2000T>C, p.Phe667Ser (NM_004509.5); short protein forms F667S, F691S, F717S, F673S, F626S, F697S, F723S.
Identifiers: ClinVar variation 2105256 (VCV002105256.4), dbSNP rs1369425728, ClinGen allele CA350896235.
Genomic context (GRCh38, chr2:230,169,194, plus strand): 5'-GTCCAGAAACCGCCGTCATTGGCTTCATGAAAACCGAGCACGTCTTTGAGATCTTTTTCA[A>G]ATTCTGCCTCTAAGTCAAGTCCTACCTGGCCAAAGTCAGAAGCCTGAAAGAGAAAAAAGC-3'
Protein context (NP_536349.3, residues 681-701): GQVGLDLEAE[Phe691Ser]EKDLKDVLGF

ClinVar aggregate classification (germline): Uncertain significance (1 of 4 stars; one submission).

Conditions:
Hepatic veno-occlusive disease-immunodeficiency syndrome. Also called: Hepatic Veno-Occlusive Disease with Immunodeficiency. Identifiers: Orphanet 79124, MedGen C1856128, MONDO:0009338, OMIM 235550. Disease mechanism: loss of function.

Allele frequency attached by ClinVar (database versions not stated): gnomAD exomes below 0.00001; TOPMed below 0.00001.
gnomAD v4.1: 1 of 1,614,024 alleles (0.000062%); highest among the groups gnomAD compares: South Asian, 0.0011%; no homozygotes.

Submission:

Labcorp Genetics (formerly Invitae), Labcorp
Classification: Uncertain significance for Hepatic veno-occlusive disease-immunodeficiency syndrome. Last evaluated: 2022-10-13. Review status: criteria provided, single submitter. Criteria: Invitae Variant Classification Sherloc (09022015). Collection method: clinical testing. Allele origin: germline.
Comment: This sequence change replaces phenylalanine, which is neutral and non-polar, with serine, which is neutral and polar, at codon 667 of the SP110 protein (p.Phe667Ser). This variant is not present in population databases (gnomAD no frequency). This variant has not been reported in the literature in individuals affected with SP110-related conditions. Algorithms developed to predict the effect of missense changes on protein structure and function are either unavailable or do not agree on the potential impact of this missense change (SIFT: "Deleterious"; PolyPhen-2: "Probably Damaging"; Align-GVGD: "Class C0"). In summary, the available evidence is currently insufficient to determine the role of this variant in disease. Therefore, it has been classified as a Variant of Uncertain Significance.